The following is an entry in ClinVar:

ClinVar aggregate classification (germline): Uncertain significance (1 of 4 stars; one submission).

Conditions:
Hereditary pancreatitis (PCTT). Also called: Hereditary chronic pancreatitis; PRSS1-Related Hereditary Pancreatitis. Identifiers: Orphanet 676, MedGen C0238339, MONDO:0008185, OMIM 167800.

Submission:

Ambry Genetics
Classification: Uncertain significance for Hereditary pancreatitis. Last evaluated: 2026-05-24. Review status: criteria provided, single submitter. Criteria: Ambry Variant Classification Scheme 2023. Collection method: clinical testing. Allele origin: germline.
Comment: The p.S264F variant (also known as c.791C>T), located in coding exon 8 of the CPA1 gene, results from a C to T substitution at nucleotide position 791. The serine at codon 264 is replaced by phenylalanine, an amino acid with highly dissimilar properties. This amino acid position is conserved. In addition, this alteration is predicted to be tolerated by in silico analysis. Based on the available evidence, the clinical significance of this variant remains unclear.

NM_001868.4(CPA1):c.791C>T (p.Ser264Phe)

Gene: CPA1 (carboxypeptidase A1; plus strand). Cytogenetic location: 7q32.2.
Variant type: single nucleotide variant.
Coding change: c.791C>T on transcript NM_001868.4 (MANE Select); coding-DNA position 791, C replaced by T.
Protein change: p.Ser264Phe; replaces serine 264 with phenylalanine.
Molecular consequence: missense variant.
Genome position (GRCh38, 1-based): chr7:130,385,149, C>T. VCF-style: chr7-130385149-C-T. GRCh37 (hg19) VCF-style: chr7-130024990-C-T.
Other names: short protein forms S264F.
Identifiers: ClinVar variation 4869350 (VCV004869350.1).
Genomic context (GRCh38, chr7:130,385,149, plus strand): 5'-TCCAGAAGCCACAGAAGCTGGAGGAGCCACACCGCCATGCCCTCTGTCCCCCCACAGTGT[C>T]CGGAGCCAGCAGTAACCCCTGCTCGGAGACTTACCACGGCAAGTTTGCCAATTCCGAAGT-3'
Protein context (NP_001859.1, residues 254-274): NRNWDAGFGL[Ser264Phe]GASSNPCSET